The following is an entry in ClinVar:

NM_001080467.3(MYO5B):c.2571+7A>G

Gene: MYO5B (myosin VB; minus strand). Cytogenetic location: 18q21.1.
Variant type: single nucleotide variant.
Coding change: c.2571+7A>G on transcript NM_001080467.3 (MANE Select); 7 bases into the intron after coding-DNA position 2571, A replaced by G.
Molecular consequence: intron variant.
Genome position (GRCh38, 1-based): chr18:49,904,665, T>C on the plus strand (A>G on the coding strand, the complement: MYO5B is on the minus strand). VCF-style: chr18-49904665-T-C. GRCh37 (hg19) VCF-style: chr18-47431035-T-C.
Identifiers: ClinVar variation 3031548 (VCV003031548.4), dbSNP rs753280237, ClinGen allele CA8961029.

ClinVar aggregate classification (germline): Likely benign. Review status: criteria provided, single submitter (1 of 4 stars). 2 submissions from 2 submitters: Likely benign (1). 1 of the submissions does not count toward it. Last evaluated 2024-07-13.

Conditions:
MYO5B-related disorder. Also called: MYO5B-related condition.

Allele frequency attached by ClinVar (database versions not stated): TOPMed below 0.00001; ExAC 0.00001; gnomAD exomes 0.00001; gnomAD 0.00002.
gnomAD v4.1: 14 of 1,613,638 alleles (0.00087%); highest among the groups gnomAD compares: African/African-American, 0.0053%; no homozygotes.

Submissions (2):

Labcorp Genetics (formerly Invitae), Labcorp
Classification: Likely benign. Last evaluated: 2024-07-13. Review status: criteria provided, single submitter. Criteria: Invitae Variant Classification Sherloc (09022015). Collection method: clinical testing. Allele origin: germline.

PreventionGenetics, part of Exact Sciences
Classification: Likely benign for MYO5B-related condition. Last evaluated: 2021-04-01. Review status: no assertion criteria provided. Collection method: clinical testing. Allele origin: germline. Not counted in ClinVar's aggregate classification.
Comment: This variant is classified as likely benign based on ACMG/AMP sequence variant interpretation guidelines (Richards et al. 2015 PMID: 25741868, with internal and published modifications).